The following is an entry in ClinVar:

NM_004415.4(DSP):c.3432A>C (p.Lys1144Asn)

Gene: DSP (desmoplakin; plus strand). Cytogenetic location: 6p24.3.
Variant type: single nucleotide variant.
Coding change: c.3432A>C on transcript NM_004415.4 (MANE Select); coding-DNA position 3432, A replaced by C.
Protein change: p.Lys1144Asn; replaces lysine 1144 with asparagine.
Molecular consequence: missense variant.
Genome position (GRCh38, 1-based): chr6:7,579,622, A>C. VCF-style: chr6-7579622-A-C. GRCh37 (hg19) VCF-style: chr6-7579855-A-C.
Other names: c.3432A>C, p.Lys1144Asn (NM_001008844.3, NM_001319034.2); short protein forms K1144N.
Identifiers: ClinVar variation 4870130 (VCV004870130.1).
Genomic context (GRCh38, chr6:7,579,622, plus strand): 5'-AAGAAAATCTGTGGAAGACAGATTTGACCAACAGAAGAATGACTATGACCAACTGCAGAA[A>C]GCAAGGCAATGTGAAAAGGAGAACCTTGGTTGGCAGAAATTAGAGTCTGAGAAAGCCATC-3'
Protein context (NP_004406.2, residues 1134-1154): QQKNDYDQLQ[Lys1144Asn]ARQCEKENLG

ClinVar aggregate classification (germline): Uncertain significance (1 of 4 stars; one submission).

Conditions:
Cardiovascular phenotype. Identifiers: MedGen CN230736.

gnomAD v4.1: 3 of 1,614,080 alleles (0.00019%); highest among the groups gnomAD compares: Non-Finnish European, 0.00017%; no homozygotes.

Submission:

Ambry Genetics
Classification: Uncertain significance for Cardiovascular phenotype. Last evaluated: 2026-05-14. Review status: criteria provided, single submitter. Criteria: Ambry Variant Classification Scheme 2023. Collection method: clinical testing. Allele origin: germline.
Comment: The p.K1144N variant (also known as c.3432A>C), located in coding exon 23 of the DSP gene, results from an A to C substitution at nucleotide position 3432. The lysine at codon 1144 is replaced by asparagine, an amino acid with similar properties. This amino acid position is conserved. In addition, this alteration is predicted to be tolerated by in silico analysis. Based on the available evidence, the clinical significance of this variant remains unclear.